The following is an entry in ClinVar:

NM_000257.4(MYH7):c.2163-1G>A

Gene: MYH7 (myosin heavy chain 7; minus strand). Cytogenetic location: 14q11.2.
Variant type: single nucleotide variant.
Coding change: c.2163-1G>A on transcript NM_000257.4 (MANE Select); the canonical splice acceptor site of the intron before coding-DNA position 2163, G replaced by A.
Molecular consequence: splice acceptor variant.
Genome position (GRCh38, 1-based): chr14:23,425,819, C>T on the plus strand (G>A on the coding strand, the complement: MYH7 is on the minus strand). VCF-style: chr14-23425819-C-T. GRCh37 (hg19) VCF-style: chr14-23895028-C-T.
Other names: SS; c.2163-1G>A (NM_001407004.1).
Identifiers: ClinVar variation 132914 (VCV000132914.3), dbSNP rs606231334, ClinGen allele CA011824.

ClinVar aggregate classification (germline): Pathogenic. Review status: criteria provided, single submitter (1 of 4 stars). 2 submissions from 2 submitters: Pathogenic (1). 1 of the submissions does not count toward it. Last evaluated 2018-06-21.

Conditions:
Dilated cardiomyopathy 1S (CMD1S). Identifiers: Orphanet 154, Orphanet 54260, MedGen C1834481, MONDO:0013262, OMIM 613426.
Familial cardiomyopathy. Identifiers: MedGen C0264789, MONDO:0005217.

Submissions (2):

Institute of Human Genetics, University of Leipzig Medical Center
Classification: Pathogenic for Dilated cardiomyopathy 1S. Last evaluated: 2018-06-21. Review status: criteria provided, single submitter. Criteria: ACMG Guidelines, 2015. Collection method: clinical testing. Allele origin: germline. Affected: yes. Observed: 1 variant allele.

Evolutionary and Medical Genetics Laboratory,  Centre for Cellular and Molecular Biology
Classification: Pathogenic. Review status: no assertion criteria provided. Collection method: not provided. Allele origin: unknown. Not counted in ClinVar's aggregate classification.
Comment: Splice site
ClinVar note: Converted during submission from pathogenic to Pathogenic.